The following is an entry in ClinVar:

ClinVar aggregate classification (germline): Uncertain significance. Review status: criteria provided, multiple submitters, no conflicts (2 of 4 stars). 2 submissions from 2 submitters: Uncertain significance (2). Last evaluated 2024-02-25.

Conditions:
Hyperlipidemia due to hepatic triglyceride lipase deficiency. Also called: LIPC DEFICIENCY. Identifiers: Orphanet 140905, MedGen C3151466, MONDO:0013533, OMIM 614025.

Allele frequency attached by ClinVar (database versions not stated): ESP Exome Variant Server 0.00008; gnomAD exomes 0.00009 and 0.00011; ExAC 0.00012; 1000 Genomes Project 30x 0.00031; 1000 Genomes Project 0.00040; TOPMed 0.00005; gnomAD 0.00006 and 0.00007.
gnomAD v4.1: 174 of 1,614,170 alleles (0.011%); highest among the groups gnomAD compares: South Asian, 0.029%; no homozygotes.

Submissions (2):

Labcorp Genetics (formerly Invitae), Labcorp
Classification: Uncertain significance. Last evaluated: 2024-02-25. Review status: criteria provided, single submitter. Criteria: Invitae Variant Classification Sherloc (09022015). Collection method: clinical testing. Allele origin: germline.
Comment: This sequence change replaces proline, which is neutral and non-polar, with leucine, which is neutral and non-polar, at codon 69 of the LIPC protein (p.Pro69Leu). This variant is present in population databases (rs143550925, gnomAD 0.04%). This variant has not been reported in the literature in individuals affected with LIPC-related conditions. ClinVar contains an entry for this variant (Variation ID: 316654). Advanced modeling of protein sequence and biophysical properties (such as structural, functional, and spatial information, amino acid conservation, physicochemical variation, residue mobility, and thermodynamic stability) performed at Invitae indicates that this missense variant is not expected to disrupt LIPC protein function with a negative predictive value of 80%. In summary, the available evidence is currently insufficient to determine the role of this variant in disease. Therefore, it has been classified as a Variant of Uncertain Significance.

Illumina Laboratory Services, Illumina
Classification: Uncertain significance for Hyperlipidemia due to hepatic triglyceride lipase deficiency. Last evaluated: 2018-01-13. Review status: criteria provided, single submitter. Criteria: ICSL Variant Classification Criteria 13 December 2019. Collection method: clinical testing. Allele origin: germline.

NM_000236.3(LIPC):c.206C>T (p.Pro69Leu)

Gene: LIPC (lipase C, hepatic type; plus strand). Cytogenetic location: 15q21.3.
Variant type: single nucleotide variant.
Coding change: c.206C>T on transcript NM_000236.3 (MANE Select); coding-DNA position 206, C replaced by T.
Protein change: p.Pro69Leu; replaces proline 69 with leucine.
Molecular consequence: missense variant.
Genome position (GRCh38, 1-based): chr15:58,538,450, C>T. VCF-style: chr15-58538450-C-T. GRCh37 (hg19) VCF-style: chr15-58830649-C-T.
Other names: short protein forms P69L.
Identifiers: ClinVar variation 316654 (VCV000316654.9), dbSNP rs143550925, ClinGen allele CA7584751.